The following is an entry in ClinVar:

ClinVar aggregate classification (germline): Uncertain significance (1 of 4 stars; one submission).

Conditions:
Encephalopathy, acute, infection-induced (herpes-specific), susceptibility to, 6. Also called: Herpes simplex encephalitis, susceptibility to, 4. Identifiers: Orphanet 1930, MedGen C3553869, MONDO:0013921, OMIM 614850.

Submission:

Labcorp Genetics (formerly Invitae), Labcorp
Classification: Uncertain significance for Encephalopathy, acute, infection-induced (herpes-specific), susceptibility to, 6. Last evaluated: 2020-03-10. Review status: criteria provided, single submitter. Criteria: Invitae Variant Classification Sherloc (09022015). Collection method: clinical testing. Allele origin: germline.
Comment: Algorithms developed to predict the effect of missense changes on protein structure and function are either unavailable or do not agree on the potential impact of this missense change (SIFT: "Deleterious"; PolyPhen-2: "Benign"; Align-GVGD: "Class C0"). In summary, the available evidence is currently insufficient to determine the role of this variant in disease. Therefore, it has been classified as a Variant of Uncertain Significance. This variant has not been reported in the literature in individuals with TICAM1-related conditions. This variant is not present in population databases (ExAC no frequency). This sequence change replaces asparagine with lysine at codon 470 of the TICAM1 protein (p.Asn470Lys). The asparagine residue is moderately conserved and there is a moderate physicochemical difference between asparagine and lysine.

NM_182919.4(TICAM1):c.1410C>G (p.Asn470Lys)

Gene: TICAM1 (TIR domain containing adaptor molecule 1; minus strand). Cytogenetic location: 19p13.3.
Variant type: single nucleotide variant.
Coding change: c.1410C>G on transcript NM_182919.4 (MANE Select); coding-DNA position 1410, C replaced by G.
Protein change: p.Asn470Lys; replaces asparagine 470 with lysine.
Molecular consequence: missense variant.
Genome position (GRCh38, 1-based): chr19:4,816,968, G>C on the plus strand (C>G on the coding strand, the complement: TICAM1 is on the minus strand). VCF-style: chr19-4816968-G-C. GRCh37 (hg19) VCF-style: chr19-4816980-G-C.
Other names: c.1368C>G, p.Asn456Lys (NM_001385678.1); c.1275C>G, p.Asn425Lys (NM_001385679.1); c.768C>G, p.Asn256Lys (NM_001385680.1); short protein forms N256K, N425K, N456K, N470K.
Identifiers: ClinVar variation 998686 (VCV000998686.9), dbSNP rs780460725, ClinGen allele CA403489745.